The following is an entry in ClinVar:

ClinVar aggregate classification (germline): Uncertain significance. Review status: criteria provided, multiple submitters, no conflicts (2 of 4 stars). 6 submissions from 6 submitters: Uncertain significance (5). 1 of the submissions does not count toward it. Last evaluated 2025-11-10.

Conditions:
MYBPC3-related disorder. Also called: MYBPC3-related condition; MYBPC3-related disease; MYBPC3-related disorders.
Cardiovascular phenotype. Identifiers: MedGen CN230736.
Cardiomyopathy (CMYO). Also called: Cardiomyopathies. Identifiers: Orphanet 167848, MedGen C0878544, MONDO:0004994, HP:0001638. Inheritance: Various modes of inheritance.
Hypertrophic cardiomyopathy. Also called: HYPERTROPHIC MYOCARDIOPATHY. Identifiers: Orphanet 217569, MedGen C0007194, MeSH D002312, MONDO:0005045, HP:0001639.

Allele frequency attached by ClinVar (database versions not stated): gnomAD exomes 0.00002; ExAC 0.00003; gnomAD 0.00003; TOPMed 0.00011.
gnomAD v4.1: 26 of 1,609,380 alleles (0.0016%); highest among the groups gnomAD compares: Middle Eastern, 0.033%; no homozygotes.

Submissions (6):

Ambry Genetics
Classification: Uncertain significance for Cardiovascular phenotype. Last evaluated: 2025-11-10. Review status: criteria provided, single submitter. Criteria: Ambry Variant Classification Scheme 2023. Collection method: clinical testing. Allele origin: germline.
Comment: The p.M854I variant (also known as c.2562G>A), located in coding exon 25 of the MYBPC3 gene, results from a G to A substitution at nucleotide position 2562. The methionine at codon 854 is replaced by isoleucine, an amino acid with highly similar properties. This alteration has been reported in a dilated cardiomyopathy (DCM) cohort; however, clinical details were limited and an additional alteration in a cardiac-related gene was identified (Pe&ntilde;a-Pe&ntilde;a ML et al. Med Clin (Barc), 2021 May;156:485-495). This amino acid position is highly conserved in available vertebrate species. In addition, this alteration is predicted to be tolerated by in silico analysis. Since supporting evidence is limited at this time, the clinical significance of this alteration remains unclear.

Labcorp Genetics (formerly Invitae), Labcorp
Classification: Uncertain significance for Hypertrophic cardiomyopathy. Last evaluated: 2025-10-23. Review status: criteria provided, single submitter. Criteria: Invitae Variant Classification Sherloc (09022015). Collection method: clinical testing. Allele origin: germline.
Comment: This sequence change replaces methionine, which is neutral and non-polar, with isoleucine, which is neutral and non-polar, at codon 854 of the MYBPC3 protein (p.Met854Ile). This variant is present in population databases (rs730880572, gnomAD 0.003%). This missense change has been observed in individual(s) with dilated cardiomyopathy (PMID: 32826072, 37652022). ClinVar contains an entry for this variant (Variation ID: 180978). An algorithm developed to predict the effect of missense changes on protein structure and function (PolyPhen-2) suggests that this variant is likely to be tolerated. In summary, the available evidence is currently insufficient to determine the role of this variant in disease. Therefore, it has been classified as a Variant of Uncertain Significance.

All of Us Research Program, National Institutes of Health
Classification: Uncertain significance for Hypertrophic cardiomyopathy. Last evaluated: 2024-09-23. Review status: criteria provided, single submitter. Criteria: ACMG Guidelines, 2015. Collection method: clinical testing. Allele origin: germline. Inheritance: Autosomal dominant inheritance. Observed: 25 variant alleles, 25 heterozygotes.
Comment: This missense variant replaces methionine with isoleucine at codon 854 of the MYBPC3 protein. Computational prediction suggests that this variant may not impact protein structure and function (internally defined REVEL score threshold <= 0.5, PMID: 27666373). To our knowledge, functional studies have not been reported for this variant. This variant has not been reported in individuals affected with cardiovascular disorders in the literature. This variant has been identified in 4/244738 chromosomes in the general population by the Genome Aggregation Database (gnomAD). The available evidence is insufficient to determine the role of this variant in disease conclusively. Therefore, this variant is classified as a Variant of Uncertain Significance.

This study involves interpretation of variants in research participants for the purpose of population health screening. Participant phenotype was not available at the time of variant classification. Additional details can be found in publication PMID: 35346344, PMCID: PMC8962531

Color Diagnostics, LLC DBA Color Health
Classification: Uncertain significance for Cardiomyopathy. Last evaluated: 2023-11-27. Review status: criteria provided, single submitter. Criteria: ACMG Guidelines, 2015. Collection method: clinical testing. Allele origin: germline.
Comment: This missense variant replaces methionine with isoleucine at codon 854 of the MYBPC3 protein. Computational prediction tool suggests that this variant may have a neutral impact on protein structure and function. To our knowledge, functional studies have not been reported for this variant. This variant has been reported in an individual affected with dilated cardiomyopathy (PMID: 32826072). This variant has been identified in 4/244738 chromosomes in the general population by the Genome Aggregation Database (gnomAD). The available evidence is insufficient to determine the role of this variant in disease conclusively. Therefore, this variant is classified as a Variant of Uncertain Significance.

GeneDx
Classification: Uncertain significance. Last evaluated: 2017-09-12. Review status: criteria provided, single submitter. Criteria: GeneDx Variant Classification (06012015). Collection method: clinical testing. Allele origin: germline. Affected: yes.
Comment: A variant of uncertain significance has been identified in the MYBPC3 gene. The M854I variant has not been published as pathogenic or been reported as benign to our knowledge. The M854I variant has been identified in conjunction with additional cardiogenetic variants in individuals referred for cardiomyopathy genetic testing at GeneDx. So far, segregation data is limited or absent for these individuals due to the lack of clinical information provided and/or insufficient participation by informative family members. This variant is not observed at a significant frequency in large population cohorts (Lek et al., 2016; 1000 Genomes Consortium et al., 2015; Exome Variant Server). This substitution occurs at a position that is conserved across species, and in silico analysis suggests that this variant is probably damaging to the protein structure/function. Nonetheless, the M854I variant is a conservative amino acid substitution, which is not likely to impact secondary protein structure as these residues share similar properties.

PreventionGenetics, part of Exact Sciences
Classification: Uncertain significance for MYBPC3-related condition. Last evaluated: 2024-07-10. Review status: no assertion criteria provided. Collection method: clinical testing. Allele origin: germline. Not counted in ClinVar's aggregate classification.
Comment: The MYBPC3 c.2562G>A variant is predicted to result in the amino acid substitution p.Met854Ile. This variant has been reported in individuals with dilated cardiomyopathy or hypertrophic cardiomyopathy; however, this variant was also identified in control individuals (Peña-Peña et al. 2021. PubMed ID: 32826072; Table S8, McGurk et al. 2023. PubMed ID: 37652022). This variant is reported in 0.0033% of alleles in individuals of South Asian descent in gnomAD. At this time, the clinical significance of this variant is uncertain due to the absence of conclusive functional and genetic evidence.

Literature cited by the submitters: PubMed 32826072 (cited by 3 submitters); PubMed 37652022 (cited by Labcorp Genetics (formerly Invitae), Labcorp).

NM_000256.3(MYBPC3):c.2562G>A (p.Met854Ile)

Gene: MYBPC3 (myosin binding protein C3; minus strand). Cytogenetic location: 11p11.2.
Variant type: single nucleotide variant.
Coding change: c.2562G>A on transcript NM_000256.3 (MANE Select); coding-DNA position 2562, G replaced by A.
Protein change: p.Met854Ile; replaces methionine 854 with isoleucine.
Molecular consequence: missense variant.
Genome position (GRCh38, 1-based): chr11:47,337,431, C>T on the plus strand (G>A on the coding strand, the complement: MYBPC3 is on the minus strand). VCF-style: chr11-47337431-C-T. GRCh37 (hg19) VCF-style: chr11-47358982-C-T.
Other names: p.M854I:ATG>ATA; c.2562G>A, p.Met854Ile (LRG_386t1); short protein forms M854I.
Identifiers: ClinVar variation 180978 (VCV000180978.22), dbSNP rs730880572, ClinGen allele CA012658.